The following is an entry in ClinVar:

ClinVar aggregate classification (germline): Uncertain significance (1 of 4 stars; one submission).

Submission:

GeneDx
Classification: Uncertain significance. Last evaluated: 2023-06-15. Review status: criteria provided, single submitter. Criteria: GeneDx Variant Classification Process June 2021. Collection method: clinical testing. Allele origin: germline. Affected: yes.
Comment: Not observed at significant frequency in large population cohorts (gnomAD); In silico analysis supports that this missense variant has a deleterious effect on protein structure/function; Has not been previously published as pathogenic or benign to our knowledge

NM_001162501.2(TNRC6B):c.1289G>A (p.Gly430Glu)

Gene: TNRC6B (trinucleotide repeat containing adaptor 6B; plus strand). Cytogenetic location: 22q13.1.
Variant type: single nucleotide variant.
Coding change: c.1289G>A on transcript NM_001162501.2 (MANE Select); coding-DNA position 1289, G replaced by A.
Protein change: p.Gly430Glu; replaces glycine 430 with glutamic acid.
Molecular consequence: missense variant. On other transcripts: intron variant (1).
Genome position (GRCh38, 1-based): chr22:40,265,519, G>A. VCF-style: chr22-40265519-G-A. GRCh37 (hg19) VCF-style: chr22-40661523-G-A.
Other names: c.1289G>A, p.Gly430Glu (NM_015088.3); c.565+3346G>A (NM_001024843.2); short protein forms G430E.
Identifiers: ClinVar variation 1700550 (VCV001700550.3), dbSNP rs781727284, ClinGen allele CA411629109.